The following is an entry in ClinVar:

ClinVar aggregate classification (germline): Likely pathogenic (1 of 4 stars; one submission).

Conditions:
Neuronal ceroid lipofuscinosis. Also called: Neuronal Ceroid Lipofuscinoses. Identifiers: Orphanet 216, Orphanet 79263, MedGen C0027877, MONDO:0016295. Disease mechanism: loss of function.

Submission:

Natera, Inc.
Classification: Likely pathogenic for Neuronal ceroid lipofuscinosis. Last evaluated: 2026-01-28. Review status: criteria provided, single submitter. Criteria: Natera Variant Classification Schema (03/2026). Collection method: clinical testing. Allele origin: germline.
Comment: The c.707dup variant in CLN5 is a frameshift variant predicted to shift the reading frame beginning at codon 237 and leads to a stop codon 17 codons downstream. This variant is expected to result in nonsense mediated decay, truncation, or a dysfunctional protein product. This variant is rare in the general population with a frequency below the threshold expected for the associated phenotype(s). Given the available evidence, this variant is classified as Likely Pathogenic.

NM_006493.4(CLN5):c.560dup (p.Ser188fs)

Gene: CLN5 (CLN5 lysosomal BMP synthase; plus strand). Cytogenetic location: 13q22.3.
Variant type: Duplication.
Coding change: c.560dup on transcript NM_006493.4 (MANE Select); coding-DNA position 560, one base duplicated (T; older notation c.560dupT).
Protein change: p.Ser188fs; shifts the reading frame from serine 188.
Molecular consequence: frameshift variant.
Genome position (GRCh38, 1-based): chr13:76,996,122, T duplicated. VCF-style (leftmost placement, unchanged base first): chr13-76996121-A-AT. GRCh37 (hg19) VCF-style: chr13-77570256-A-AT.
Other names: c.560dup, p.Ser188fs (NM_001366624.2); short protein forms S188fs.
Identifiers: ClinVar variation 4815514 (VCV004815514.1).